The following is an entry in ClinVar:

ClinVar aggregate classification (germline): Uncertain significance (1 of 4 stars; one submission).

Submission:

Ambry Genetics
Classification: Uncertain significance. Last evaluated: 2025-09-13. Review status: criteria provided, single submitter. Criteria: Ambry Variant Classification Scheme 2023. Collection method: clinical testing. Allele origin: germline.
Comment: The p.I340N variant (also known as c.1019T>A), located in coding exon 1 of the TET2 gene, results from a T to A substitution at nucleotide position 1019. The isoleucine at codon 340 is replaced by asparagine, an amino acid with dissimilar properties. This amino acid position is conserved. In addition, this alteration is predicted to be tolerated by in silico analysis. Based on the available evidence, the clinical significance of this variant remains unclear.

NM_001127208.3(TET2):c.1019T>A (p.Ile340Asn)

Genes: TET2 (tet methylcytosine dioxygenase 2; plus strand), TET2-AS1 (TET2 antisense RNA 1; minus strand). Cytogenetic location: 4q24.
Variant type: single nucleotide variant.
Coding change: c.1019T>A on transcript NM_001127208.3 (MANE Select); coding-DNA position 1019, T replaced by A.
Protein change: p.Ile340Asn; replaces isoleucine 340 with asparagine.
Molecular consequence: missense variant.
Genome position (GRCh38, 1-based): chr4:105,234,961, T>A. VCF-style: chr4-105234961-T-A. GRCh37 (hg19) VCF-style: chr4-106156118-T-A.
Other names: c.1019T>A, p.Ile340Asn (NM_017628.4); short protein forms I340N.
Identifiers: ClinVar variation 4183064 (VCV004183064.1).